The following is an entry in ClinVar:

NM_013351.2(TBX21):c.99C>G (p.His33Gln)

Genes: TBX21 (T-box transcription factor 21; plus strand), LOC109286563 (TBX21 promoter region; plus strand). Cytogenetic location: 17q21.32.
Variant type: single nucleotide variant.
Coding change: c.99C>G on transcript NM_013351.2 (MANE Select); coding-DNA position 99, C replaced by G.
Protein change: p.His33Gln; replaces histidine 33 with glutamine.
Molecular consequence: missense variant.
Genome position (GRCh38, 1-based): chr17:47,733,553, C>G. VCF-style: chr17-47733553-C-G. GRCh37 (hg19) VCF-style: chr17-45810919-C-G.
Other names: short protein forms H33Q.
Identifiers: ClinVar variation 2688320 (VCV002688320.2), dbSNP rs2240017, ClinGen allele CA8626238.

ClinVar aggregate classification (germline): Benign (1 of 4 stars; one submission).

Allele frequency attached by ClinVar (database versions not stated): ESP Exome Variant Server 0.01293; gnomAD 0.03020; gnomAD exomes 0.03076; TOPMed 0.03419; 1000 Genomes Project 0.04992; 1000 Genomes Project 30x 0.05278; ExAC 0.06626.
gnomAD v4.1: 45,870 of 1,487,136 alleles (3.1%); highest among the groups gnomAD compares: East Asian, 11%; 1,068 homozygotes.

Submission:

Unidad de Genómica Garrahan, Hospital de Pediatría Garrahan
Classification: Benign. Last evaluated: 2024-01-24. Review status: criteria provided, single submitter. Criteria: ACMG Guidelines, 2015. Collection method: clinical testing. Allele origin: germline. Affected: no. Observed: 21 variant alleles.
Comment: This variant is classified as Benign based on local population frequency. This variant was detected in 22% of patients studied by a panel of primary immunodeficiencies. Number of patients: 21. Only high quality variants are reported.